The following is an entry in ClinVar:

NM_144508.5(KNL1):c.4339A>G (p.Thr1447Ala)

Gene: KNL1 (kinetochore scaffold 1; plus strand). Cytogenetic location: 15q15.1.
Variant type: single nucleotide variant.
Coding change: c.4339A>G on transcript NM_144508.5 (MANE Select); coding-DNA position 4339, A replaced by G.
Protein change: p.Thr1447Ala; replaces threonine 1447 with alanine.
Molecular consequence: missense variant.
Genome position (GRCh38, 1-based): chr15:40,624,603, A>G. VCF-style: chr15-40624603-A-G. GRCh37 (hg19) VCF-style: chr15-40916801-A-G.
Other names: NC_000015.9:g.40916801A>G; c.4417A>G, p.Thr1473Ala (NM_170589.5); short protein forms T1473A, T1447A.
Identifiers: ClinVar variation 128600 (VCV000128600.11), dbSNP rs16970911, ClinGen allele CA152180.
Genomic context (GRCh38, chr15:40,624,603, plus strand): 5'-AAGGATCAAATGAAAGTCTATGTTGATGACATTTATGTTATTCCTCAGCCTCATTTCTCA[A>G]CCGACCAACCTCCATTACCTAAAAAAGGACAGAGTAGTATCAATAAAGAAGAAGTAATAC-3'
Protein context (NP_653091.3, residues 1437-1457): IYVIPQPHFS[Thr1447Ala]DQPPLPKKGQ

ClinVar aggregate classification (germline): Benign/Likely benign. Review status: criteria provided, multiple submitters, no conflicts (2 of 4 stars). 3 submissions from 3 submitters: Benign (1); Likely benign (1). 1 of the submissions does not count toward it. Last evaluated 2018-09-26.

Allele frequency attached by ClinVar (database versions not stated): 1000 Genomes Project 30x 0.03076; ESP Exome Variant Server 0.06705; gnomAD 0.06398 and 0.06529; gnomAD exomes 0.07916 and 0.07017; TOPMed 0.05791; ExAC 0.06847; 1000 Genomes Project 0.03095.
gnomAD v4.1: 125,556 of 1,613,708 alleles (7.8%); highest among the groups gnomAD compares: Non-Finnish European, 8.5%; 5,439 homozygotes.

Submissions (15):

GeneDx
Classification: Benign. Last evaluated: 2018-09-26. Review status: criteria provided, single submitter. Criteria: GeneDx Variant Classification Process June 2021. Collection method: clinical testing. Allele origin: germline. Affected: yes.

Breakthrough Genomics
Classification: Likely benign. Review status: criteria provided, single submitter. Criteria: ACMG Guidelines, 2015. Collection method: not provided. Allele origin: germline. Inheritance: Autosomal recessive inheritance. Affected: yes.

Dr. Peter K. Rogan Lab, Western University
No classification provided (evidence only). Condition: Colorectal cancer. Review status: no classification provided. Collection method: in vitro. Allele origin: not applicable. Functional consequence: retained intron. Not counted in ClinVar's aggregate classification.

Dr. Peter K. Rogan Lab, Western University
No classification provided (evidence only). Condition: Colorectal cancer. Review status: no classification provided. Collection method: in vitro. Allele origin: not applicable. Functional consequence: retained intron. Not counted in ClinVar's aggregate classification.

Dr. Peter K. Rogan Lab, Western University
No classification provided (evidence only). Condition: Colorectal cancer. Review status: no classification provided. Collection method: in vitro. Allele origin: not applicable. Functional consequence: retained intron. Not counted in ClinVar's aggregate classification.

Dr. Peter K. Rogan Lab, Western University
No classification provided (evidence only). Condition: Thymoma. Review status: no classification provided. Collection method: in vitro. Allele origin: not applicable. Functional consequence: retained intron. Not counted in ClinVar's aggregate classification.

Dr. Peter K. Rogan Lab, Western University
No classification provided (evidence only). Condition: Thymoma. Review status: no classification provided. Collection method: in vitro. Allele origin: not applicable. Functional consequence: retained intron. Not counted in ClinVar's aggregate classification.

Dr. Peter K. Rogan Lab, Western University
No classification provided (evidence only). Condition: Thymoma. Review status: no classification provided. Collection method: in vitro. Allele origin: not applicable. Functional consequence: retained intron. Not counted in ClinVar's aggregate classification.

Dr. Peter K. Rogan Lab, Western University
No classification provided (evidence only). Condition: Adrenocortical carcinoma, hereditary. Review status: no classification provided. Collection method: in vitro. Allele origin: not applicable. Functional consequence: retained intron. Not counted in ClinVar's aggregate classification.

Dr. Peter K. Rogan Lab, Western University
No classification provided (evidence only). Condition: Adrenocortical carcinoma, hereditary. Review status: no classification provided. Collection method: in vitro. Allele origin: not applicable. Functional consequence: retained intron. Not counted in ClinVar's aggregate classification.

Dr. Peter K. Rogan Lab, Western University
No classification provided (evidence only). Condition: Uterine carcinosarcoma. Review status: no classification provided. Collection method: in vitro. Allele origin: not applicable. Functional consequence: retained intron. Not counted in ClinVar's aggregate classification.

Dr. Peter K. Rogan Lab, Western University
No classification provided (evidence only). Condition: Uterine carcinosarcoma. Review status: no classification provided. Collection method: in vitro. Allele origin: not applicable. Functional consequence: retained intron. Not counted in ClinVar's aggregate classification.

Dr. Peter K. Rogan Lab, Western University
No classification provided (evidence only). Condition: Uterine carcinosarcoma. Review status: no classification provided. Collection method: in vitro. Allele origin: not applicable. Functional consequence: retained intron. Not counted in ClinVar's aggregate classification.

Dr. Peter K. Rogan Lab, Western University
No classification provided (evidence only). Condition: Uveal melanoma. Review status: no classification provided. Collection method: in vitro. Allele origin: not applicable. Functional consequence: retained intron. Not counted in ClinVar's aggregate classification.

Genetic Services Laboratory, University of Chicago
Classification: Likely benign for AllHighlyPenetrant. Review status: no assertion criteria provided. Collection method: clinical testing. Allele origin: germline. Inheritance: Autosomal recessive inheritance. Not counted in ClinVar's aggregate classification.
Comment: Likely benign based on allele frequency in 1000 Genomes Project or ESP global frequency and its presence in a patient with a rare or unrelated disease phenotype. NOT Sanger confirmed.